The following is an entry in ClinVar:

NM_001605.3(AARS1):c.-12G>C

Gene: AARS1 (alanyl-tRNA synthetase 1; minus strand). Cytogenetic location: 16q22.1.
Variant type: single nucleotide variant.
Coding change: c.-12G>C on transcript NM_001605.3 (MANE Select); 12 bases upstream of the start codon, G replaced by C.
Molecular consequence: 5 prime UTR variant.
Genome position (GRCh38, 1-based): chr16:70,282,775, C>G on the plus strand (G>C on the coding strand, the complement: AARS1 is on the minus strand). VCF-style: chr16-70282775-C-G. GRCh37 (hg19) VCF-style: chr16-70316678-C-G.
Identifiers: ClinVar variation 514780 (VCV000514780.1), dbSNP rs777561554, ClinGen allele CA623206308.

ClinVar aggregate classification (germline): Likely benign (1 of 4 stars; one submission).

Allele frequency attached by ClinVar (database versions not stated): TOPMed 0.00001.

Submission:

GeneDx
Classification: Likely benign. Last evaluated: 2018-01-22. Review status: criteria provided, single submitter. Criteria: GeneDx Variant Classification (06012015). Collection method: clinical testing. Allele origin: germline. Affected: yes.
Comment: This variant is considered likely benign or benign based on one or more of the following criteria: it is a conservative change, it occurs at a poorly conserved position in the protein, it is predicted to be benign by multiple in silico algorithms, and/or has population frequency not consistent with disease.